The following is an entry in ClinVar:

NM_000428.3(LTBP2):c.1129G>A (p.Asp377Asn)

Gene: LTBP2 (latent transforming growth factor beta binding protein 2; minus strand). Cytogenetic location: 14q24.3.
Variant type: single nucleotide variant.
Coding change: c.1129G>A on transcript NM_000428.3 (MANE Select); coding-DNA position 1129, G replaced by A.
Protein change: p.Asp377Asn; replaces aspartic acid 377 with asparagine.
Molecular consequence: missense variant.
Genome position (GRCh38, 1-based): chr14:74,552,955, C>T on the plus strand (G>A on the coding strand, the complement: LTBP2 is on the minus strand). VCF-style: chr14-74552955-C-T. GRCh37 (hg19) VCF-style: chr14-75019658-C-T.
Other names: short protein forms D377N.
Identifiers: ClinVar variation 3604445 (VCV003604445.2).

ClinVar aggregate classification (germline): Uncertain significance (1 of 4 stars; one submission).

gnomAD v4.1: 15 of 1,613,860 alleles (0.00093%); highest among the groups gnomAD compares: Non-Finnish European, 0.0012%; no homozygotes.

Submission:

Labcorp Genetics (formerly Invitae), Labcorp
Classification: Uncertain significance. Last evaluated: 2024-07-12. Review status: criteria provided, single submitter. Criteria: Invitae Variant Classification Sherloc (09022015). Collection method: clinical testing. Allele origin: germline.
Comment: This sequence change replaces aspartic acid, which is acidic and polar, with asparagine, which is neutral and polar, at codon 377 of the LTBP2 protein (p.Asp377Asn). This variant is present in population databases (no rsID available, gnomAD 0.002%). This variant has not been reported in the literature in individuals affected with LTBP2-related conditions. An algorithm developed to predict the effect of missense changes on protein structure and function outputs the following: PolyPhen-2: "Benign". The asparagine amino acid residue is found in multiple mammalian species, which suggests that this missense change does not adversely affect protein function. In summary, the available evidence is currently insufficient to determine the role of this variant in disease. Therefore, it has been classified as a Variant of Uncertain Significance.